The following is an entry in ClinVar:

NM_004380.3(CREBBP):c.2415G>A (p.Ala805=)

Gene: CREBBP (CREB binding lysine acetyltransferase; minus strand). Cytogenetic location: 16p13.3.
Variant type: single nucleotide variant.
Coding change: c.2415G>A on transcript NM_004380.3 (MANE Select); coding-DNA position 2415, G replaced by A.
Protein change: p.Ala805=; no amino-acid change (alanine 805 retained).
Molecular consequence: synonymous variant.
Genome position (GRCh38, 1-based): chr16:3,773,799, C>T on the plus strand (G>A on the coding strand, the complement: CREBBP is on the minus strand). VCF-style: chr16-3773799-C-T. GRCh37 (hg19) VCF-style: chr16-3823800-C-T.
Other names: c.2301G>A, p.Ala767= (NM_001079846.1).
Identifiers: ClinVar variation 95033 (VCV000095033.35), dbSNP rs368664039, ClinGen allele CA222685.

ClinVar aggregate classification (germline): Conflicting classifications of pathogenicity. Review status: criteria provided, conflicting classifications (1 of 4 stars). 5 submissions from 5 submitters: Uncertain significance (1); Likely benign (3). 1 of the submissions does not count toward it. Last evaluated 2025-10-05.

Conditions:
CREBBP-related disorder. Also called: CREBBP-related disorders; CREBBP-related condition.
Rubinstein-Taybi syndrome (RSTS). Identifiers: Orphanet 783, MedGen C0035934, MONDO:0019188.

Allele frequency attached by ClinVar (database versions not stated): gnomAD 0.00005 and 0.00006; ESP Exome Variant Server 0.00008; TOPMed 0.00008.
gnomAD v4.1: 45 of 1,613,514 alleles (0.0028%); highest among the groups gnomAD compares: Admixed American, 0.012%; no homozygotes.

Submissions (5):

Labcorp Genetics (formerly Invitae), Labcorp
Classification: Likely benign for Rubinstein-Taybi syndrome. Last evaluated: 2025-10-05. Review status: criteria provided, single submitter. Criteria: Invitae Variant Classification Sherloc (09022015). Collection method: clinical testing. Allele origin: germline.

Blueprint Genetics
Classification: Likely benign. Last evaluated: 2024-10-02. Review status: criteria provided, single submitter. Criteria: ACMG Guidelines, 2015. Collection method: clinical testing. Allele origin: germline.

CeGaT Center for Human Genetics Tuebingen
Classification: Likely benign. Last evaluated: 2023-01-01. Review status: criteria provided, single submitter. Criteria: CeGaT Center For Human Genetics Tuebingen Variant Classification Criteria Version 2. Collection method: clinical testing. Allele origin: germline. Affected: yes. Observed: 1 variant allele.
Comment: CREBBP: BP4, BP7

Eurofins Ntd Llc (ga)
Classification: Uncertain significance. Last evaluated: 2013-04-24. Review status: criteria provided, single submitter. Criteria: EGL Classification Definitions 2015. Collection method: clinical testing. Allele origin: germline. Observed: 1 variant allele, 1 heterozygote.

PreventionGenetics, part of Exact Sciences
Classification: Likely benign for CREBBP-related condition. Last evaluated: 2021-12-29. Review status: no assertion criteria provided. Collection method: clinical testing. Allele origin: germline. Not counted in ClinVar's aggregate classification.
Comment: This variant is classified as likely benign based on ACMG/AMP sequence variant interpretation guidelines (Richards et al. 2015 PMID: 25741868, with internal and published modifications).